The following is an entry in ClinVar:

NM_002691.4(POLD1):c.-3G>A

Gene: POLD1 (DNA polymerase delta 1, catalytic subunit; plus strand). Cytogenetic location: 19q13.33.
Variant type: single nucleotide variant.
Coding change: c.-3G>A on transcript NM_002691.4 (MANE Select); 3 bases upstream of the start codon, G replaced by A.
Molecular consequence: 5 prime UTR variant. On other transcripts: non-coding transcript variant (1).
Genome position (GRCh38, 1-based): chr19:50,384,389, G>A. VCF-style: chr19-50384389-G-A. GRCh37 (hg19) VCF-style: chr19-50887646-G-A.
Other names: c.-6G>A (NM_001256849.1).
Identifiers: ClinVar variation 3935566 (VCV003935566.1).

ClinVar aggregate classification (germline): Uncertain significance (1 of 4 stars; one submission).

Conditions:
Hereditary cancer-predisposing syndrome. Also called: Tumor predisposition; Hereditary neoplastic syndrome; Hereditary Cancer Syndrome; Neoplastic Syndromes, Hereditary. Identifiers: Orphanet 140162, MedGen C0027672, MeSH D009386, MONDO:0015356.

Submission:

Ambry Genetics
Classification: Uncertain significance for Hereditary cancer-predisposing syndrome. Last evaluated: 2025-05-09. Review status: criteria provided, single submitter. Criteria: Ambry Variant Classification Scheme 2023. Collection method: clinical testing. Allele origin: germline.
Comment: The c.-3G>A variant is located in the 5' untranslated region (5&rsquo; UTR) of the POLD1 gene. This variant results from a G to A substitution 3 bases upstream from the first translated codon. This nucleotide position is well conserved in available vertebrate species. Based on the available evidence, the clinical significance of this variant remains unclear.